The following is an entry in ClinVar:

NM_152384.3(BBS5):c.619-1G>C

Gene: BBS5 (Bardet-Biedl syndrome 5; plus strand). Cytogenetic location: 2q31.1.
Variant type: single nucleotide variant.
Coding change: c.619-1G>C on transcript NM_152384.3 (MANE Select); the canonical splice acceptor site of the intron before coding-DNA position 619, G replaced by C.
Molecular consequence: splice acceptor variant.
Genome position (GRCh38, 1-based): chr2:169,497,626, G>C. VCF-style: chr2-169497626-G-C. GRCh37 (hg19) VCF-style: chr2-170354136-G-C.
Identifiers: ClinVar variation 812227 (VCV000812227.61), dbSNP rs753234582, ClinGen allele CA1956261.

ClinVar aggregate classification (germline): Conflicting classifications of pathogenicity. Review status: criteria provided, conflicting classifications (1 of 4 stars). 13 submissions from 12 submitters: Pathogenic (8); Likely pathogenic (1); Uncertain significance (2). 2 of the submissions do not count toward it. Last evaluated 2026-04-01.

Conditions:
Retinal dystrophy. Also called: Inherited retinal dystrophy. Identifiers: Orphanet 71862, MedGen C0854723, MeSH D058499, MONDO:0019118, HP:0000556.
Primary ciliary dyskinesia. Also called: Ciliary dyskinesia. Identifiers: Orphanet 244, MedGen C0008780, MONDO:0016575, HP:0012265.
Bardet-Biedl syndrome (BBS). Identifiers: Orphanet 110, MedGen C0752166, MONDO:0015229.
Bardet-Biedl syndrome 5 (BBS5). Identifiers: Orphanet 110, MedGen C3892039, MONDO:0014434, OMIM 615983.
BBS5-related disorder. Also called: BBS5-related condition.
Bardet-Biedl syndrome 1 (BBS1). Identifiers: MedGen C2936862, MONDO:0008854, OMIM 209900. Disease mechanism: loss of function.

Allele frequency attached by ClinVar (database versions not stated): ExAC 0.00001; gnomAD exomes 0.00002; gnomAD 0.00004; TOPMed 0.00005.
gnomAD v4.1: 38 of 1,570,468 alleles (0.0024%); highest among the groups gnomAD compares: Non-Finnish European, 0.0032%; no homozygotes.

Submissions (13):

Department of Human Genetics, Hannover Medical School
Classification: Uncertain significance for Primary Ciliary Dyskinesia. Last evaluated: 2026-04-01. Review status: criteria provided, single submitter. Criteria: ACMG Guidelines, 2015. Collection method: research. Allele origin: germline. Affected: no.
Comment: Classification performed by HerediClassify using the following criteria: '['PM2_supporting: Variant occures does not occur as homozygous in gnomAD.', 'PVS1_splicing_moderate: Transcript ENST00000295240 does not undergo NMD and reading frame is preserved. Protein length change of 0.061583577712609916 observed. ', "PP4_moderate: The modified PICADAR socre of 8.0 exceeds threshold of 5 achieving 'strong' evidence strength."]

PreventionGenetics, part of Exact Sciences
Classification: Pathogenic for BBS5-related condition. Last evaluated: 2026-01-20. Review status: criteria provided, single submitter. Criteria: ACMG Guidelines, 2015. Collection method: clinical testing. Allele origin: germline.
Comment: The BBS5 c.619-1G>C variant is predicted to disrupt the AG splice acceptor site and interfere with normal splicing. This variant has previously been reported in the heterozygous and homozygous state in individuals with Bardet-Biedl syndrome (Feuillan et al. 2011. PubMed ID: 21209035; Supp. Table 2 in Sharon et al. 2019. PubMed ID: 31456290; Khan et al. 2023. PubMed ID: 37293956; Orlova et al. 2024. PubMed ID: 39092430). In one patient a second plausible pathogenic variant in BBS5 was not identified (Feuillan et al. 2011. PubMed ID: 21209035). This variant is reported in 0.0035% of alleles in individuals of European (Non-Finnish) descent in gnomAD. Variants that disrupt the consensus splice acceptor site in BBS5 are expected to be pathogenic. This variant is interpreted as pathogenic.

Labcorp Genetics (formerly Invitae), Labcorp
Classification: Pathogenic for Bardet-Biedl syndrome. Last evaluated: 2025-12-13. Review status: criteria provided, single submitter. Criteria: Invitae Variant Classification Sherloc (09022015). Collection method: clinical testing. Allele origin: germline.
Comment: This sequence change affects an acceptor splice site in intron 7 of the BBS5 gene. It is expected to disrupt RNA splicing. Variants that disrupt the donor or acceptor splice site typically lead to a loss of protein function (PMID: 16199547), and loss-of-function variants in BBS5 are known to be pathogenic (PMID: 15137946, 16877420, 26325687, 27708425, 28041643, 29806606). This variant is present in population databases (rs753234582, gnomAD 0.004%). Disruption of this splice site has been observed in individuals with Bardet-Biedl syndrome (PMID: 21209035; internal data). ClinVar contains an entry for this variant (Variation ID: 812227). Algorithms developed to predict the effect of sequence changes on RNA splicing suggest that this variant may disrupt the consensus splice site. For these reasons, this variant has been classified as Pathogenic.

Department of Human Genetics, Hannover Medical School
Classification: Likely pathogenic for Bardet-Biedl syndrome 5. Last evaluated: 2025-05-27. Review status: criteria provided, single submitter. Criteria: ACMG Guidelines, 2015. Collection method: clinical testing. Allele origin: germline. Inheritance: Autosomal recessive inheritance. Affected: yes.
Comment: ACMG: PVS1_Moderate, PM2_Supporting, PM3_Strong

Blueprint Genetics
Classification: Pathogenic for BBS5-related disorders. Last evaluated: 2024-10-17. Review status: criteria provided, single submitter. Criteria: ACMG Guidelines, 2015. Collection method: clinical testing. Allele origin: germline. Affected: yes. Observed: 5 variant alleles.

GeneDx
Classification: Uncertain significance. Last evaluated: 2022-09-12. Review status: criteria provided, single submitter. Criteria: GeneDx Variant Classification Process June 2021. Collection method: clinical testing. Allele origin: germline. Affected: yes.
Comment: Canonical splice site variant expected to result in aberrant splicing, although in the absence of functional evidence the actual effect of this sequence change is unknown.; This variant is associated with the following publications: (PMID: 25525159, 31456290, 21209035)

Fulgent Genetics
Classification: Pathogenic for Bardet-Biedl syndrome 5. Last evaluated: 2022-03-05. Review status: criteria provided, single submitter. Criteria: ACMG Guidelines, 2015. Collection method: clinical testing. Allele origin: unknown.

Institute of Human Genetics, Univ. Regensburg, Univ. Regensburg
Classification: Pathogenic for Retinal dystrophy. Last evaluated: 2022-01-01. Review status: criteria provided, single submitter. Criteria: ACMG Guidelines, 2015. Collection method: clinical testing. Allele origin: germline. Affected: yes.

CeGaT Center for Human Genetics Tuebingen
Classification: Pathogenic. Last evaluated: 2021-11-01. Review status: criteria provided, single submitter. Criteria: CeGaT Center For Human Genetics Tuebingen Variant Classification Criteria Version 2. Collection method: clinical testing. Allele origin: germline. Affected: yes. Observed: 2 variant alleles.

Laboratory of Medical Genetics, National & Kapodistrian University of Athens
Classification: Pathogenic for Bardet-Biedl syndrome 5. Last evaluated: 2021-10-05. Review status: criteria provided, single submitter. Criteria: ACMG Guidelines, 2015. Collection method: clinical testing. Allele origin: unknown. Affected: yes.
Comment: PVS1, PM2, PP3, PP5

Centre for Mendelian Genomics, University Medical Centre Ljubljana
Classification: Pathogenic for Bardet-Biedl syndrome 5. Last evaluated: 2018-11-21. Review status: criteria provided, single submitter. Criteria: ACMG Guidelines, 2015. Collection method: clinical testing. Allele origin: unknown. Affected: yes.
Comment: This variant was classified as: Pathogenic. The following ACMG criteria were applied in classifying this variant: PVS1,PM2,PP3,PP5. This variant was detected in homozygous state.

Advanced Center For Translational And Genetic Medicine, Ann & Robert H. Lurie Children's Hospital Of Chicago
Classification: Pathogenic for Bardet-Biedl syndrome 1. Last evaluated: 2023-05-10. Review status: no assertion criteria provided. Collection method: research. Allele origin: biparental. Affected: yes. Observed: 1 homozygote. Not counted in ClinVar's aggregate classification.

Sharon lab, Hadassah-Hebrew University Medical Center
Classification: Pathogenic for Bardet-Biedl syndrome. Last evaluated: 2019-06-23. Review status: no assertion criteria provided. Collection method: research. Allele origin: inherited. Affected: yes. Not counted in ClinVar's aggregate classification.

Literature cited by the submitters: PubMed 16199547 (cited by Labcorp Genetics (formerly Invitae), Labcorp); PubMed 15137946 (cited by Labcorp Genetics (formerly Invitae), Labcorp); PubMed 16877420 (cited by Labcorp Genetics (formerly Invitae), Labcorp); PubMed 26325687 (cited by Labcorp Genetics (formerly Invitae), Labcorp); PubMed 27708425 (cited by Labcorp Genetics (formerly Invitae), Labcorp); PubMed 28041643 (cited by Labcorp Genetics (formerly Invitae), Labcorp); PubMed 29806606 (cited by Labcorp Genetics (formerly Invitae), Labcorp); PubMed 21209035 (cited by Labcorp Genetics (formerly Invitae), Labcorp and Institute of Human Genetics, Univ. Regensburg, Univ. Regensburg); PubMed 25525159 (cited by Institute of Human Genetics, Univ. Regensburg, Univ. Regensburg); PubMed 31964843 (cited by Institute of Human Genetics, Univ. Regensburg, Univ. Regensburg); PubMed 31456290 (cited by Institute of Human Genetics, Univ. Regensburg, Univ. Regensburg).